The following is an entry in ClinVar:

ClinVar aggregate classification (germline): Pathogenic/Likely pathogenic. Review status: criteria provided, multiple submitters, no conflicts (2 of 4 stars). 2 submissions from 2 submitters: Pathogenic (1); Likely pathogenic (1). Last evaluated 2023-11-10.

Conditions:
Knobloch syndrome 1 (KNO1). Identifiers: MedGen C4551775, MONDO:0800167, OMIM 267750.

Allele frequency attached by ClinVar (database versions not stated): gnomAD exomes below 0.00001; gnomAD 0.00001; TOPMed 0.00001; ExAC 0.00002; 1000 Genomes Project 0.00040; 1000 Genomes Project 30x 0.00047.
gnomAD v4.1: 6 of 1,438,662 alleles (0.00042%); highest among the groups gnomAD compares: Admixed American, 0.0084%; no homozygotes.

Submissions (2):

Daryl Scott Lab, Baylor College of Medicine
Classification: Pathogenic for Knobloch syndrome 1. Last evaluated: 2023-11-10. Review status: criteria provided, single submitter. Criteria: ACMG Guidelines, 2015. Collection method: clinical testing. Allele origin: paternal.

Labcorp Genetics (formerly Invitae), Labcorp
Classification: Likely pathogenic. Last evaluated: 2022-09-26. Review status: criteria provided, single submitter. Criteria: Invitae Variant Classification Sherloc (09022015). Collection method: clinical testing. Allele origin: germline.
Comment: In summary, the currently available evidence indicates that the variant is pathogenic, but additional data are needed to prove that conclusively. Therefore, this variant has been classified as Likely Pathogenic. Algorithms developed to predict the effect of sequence changes on RNA splicing suggest that this variant may disrupt the consensus splice site. This variant has not been reported in the literature in individuals affected with COL18A1-related conditions. This variant is present in population databases (rs541908170, gnomAD 0.006%). This sequence change affects a donor splice site in intron 30 of the COL18A1 gene. It is expected to disrupt RNA splicing. Variants that disrupt the donor or acceptor splice site typically lead to a loss of protein function (PMID: 16199547), and loss-of-function variants in COL18A1 are known to be pathogenic (PMID: 12415512, 25456301).

Literature cited by the submitters: PubMed 16199547 (cited by Labcorp Genetics (formerly Invitae), Labcorp); PubMed 12415512 (cited by Labcorp Genetics (formerly Invitae), Labcorp); PubMed 25456301 (cited by Labcorp Genetics (formerly Invitae), Labcorp).

NM_001379500.1(COL18A1):c.2577+1G>A

Gene: COL18A1 (collagen type XVIII alpha 1 chain; plus strand). Cytogenetic location: 21q22.3.
Variant type: single nucleotide variant.
Coding change: c.2577+1G>A on transcript NM_001379500.1 (MANE Select); the canonical splice donor site of the intron after coding-DNA position 2577, G replaced by A.
Molecular consequence: splice donor variant.
Genome position (GRCh38, 1-based): chr21:45,496,569, G>A. VCF-style: chr21-45496569-G-A. GRCh37 (hg19) VCF-style: chr21-46916483-G-A.
Other names: NM_130445.4:c.2577+1G>A; c.3822+1G>A (NM_130444.3); c.3117+1G>A (NM_030582.4).
Identifiers: ClinVar variation 1924745 (VCV001924745.6), dbSNP rs541908170, ClinGen allele CA10067185.